The following is an entry in ClinVar:

ClinVar aggregate classification (germline): Uncertain significance. Review status: criteria provided, multiple submitters, no conflicts (2 of 4 stars). 2 submissions from 2 submitters: Uncertain significance (2). Last evaluated 2026-01-19.

Allele frequency attached by ClinVar (database versions not stated): gnomAD exomes below 0.00001.
gnomAD v4.1: 5 of 1,613,796 alleles (0.00031%); highest among the groups gnomAD compares: Non-Finnish European, 0.00042%; no homozygotes.

Submissions (2):

Labcorp Genetics (formerly Invitae), Labcorp
Classification: Uncertain significance. Last evaluated: 2026-01-19. Review status: criteria provided, single submitter. Criteria: Invitae Variant Classification Sherloc (09022015). Collection method: clinical testing. Allele origin: germline.
Comment: This sequence change replaces cysteine, which is neutral and slightly polar, with tyrosine, which is neutral and polar, at codon 621 of the MME protein (p.Cys621Tyr). This variant is present in population databases (no rsID available, gnomAD 0.0009%). This variant has not been reported in the literature in individuals affected with MME-related conditions. ClinVar contains an entry for this variant (Variation ID: 1517915). Invitae Evidence Modeling of protein sequence and biophysical properties (such as structural, functional, and spatial information, amino acid conservation, physicochemical variation, residue mobility, and thermodynamic stability) indicates that this missense variant is expected to disrupt MME protein function with a positive predictive value of 80%. In summary, the available evidence is currently insufficient to determine the role of this variant in disease. Therefore, it has been classified as a Variant of Uncertain Significance.

GeneDx
Classification: Uncertain significance. Last evaluated: 2025-07-29. Review status: criteria provided, single submitter. Criteria: GeneDx Variant Classification Process June 2021. Collection method: clinical testing. Allele origin: germline. Affected: yes.
Comment: Not observed at significant frequency in large population cohorts (gnomAD); In silico analysis supports that this missense variant has a deleterious effect on protein structure/function; Has not been previously published as pathogenic or benign to our knowledge

NM_007289.4(MME):c.1862G>A (p.Cys621Tyr)

Gene: MME (membrane metalloendopeptidase; plus strand). Cytogenetic location: 3q25.2.
Variant type: single nucleotide variant.
Coding change: c.1862G>A on transcript NM_007289.4 (MANE Select); coding-DNA position 1862, G replaced by A.
Protein change: p.Cys621Tyr; replaces cysteine 621 with tyrosine.
Molecular consequence: missense variant.
Genome position (GRCh38, 1-based): chr3:155,168,573, G>A. VCF-style: chr3-155168573-G-A. GRCh37 (hg19) VCF-style: chr3-154886362-G-A.
Other names: c.1862G>A, p.Cys621Tyr (NM_000902.5, NM_001354642.2, NM_001354643.1 and 2 more transcripts); c.1862G>A (NM_007289.2); short protein forms C621Y.
Identifiers: ClinVar variation 1517915 (VCV001517915.8), dbSNP rs1358720141, ClinGen allele CA355218553.
Genomic context (GRCh38, chr3:155,168,573, plus strand): 5'-GAGACCTCGTTGACTGGTGGACTCAACAGTCTGCAAGTAACTTTAAGGAGCAATCCCAGT[G>A]CATGGTGTATCAGTATGGAAACTTTTCCTGGGACCTGGCAGGTGGACAGCACGTATGTCA-3'
Protein context (NP_009220.2, residues 611-631): SASNFKEQSQ[Cys621Tyr]MVYQYGNFSW